The following is an entry in ClinVar:

NM_002941.4(ROBO1):c.3633C>T (p.Asp1211=)

Gene: ROBO1 (roundabout guidance receptor 1; minus strand). Cytogenetic location: 3p12.3.
Variant type: single nucleotide variant.
Coding change: c.3633C>T on transcript NM_002941.4 (MANE Select); coding-DNA position 3633, C replaced by T.
Protein change: p.Asp1211=; no amino-acid change (aspartic acid 1211 retained).
Molecular consequence: synonymous variant.
Genome position (GRCh38, 1-based): chr3:78,627,563, G>A on the plus strand (C>T on the coding strand, the complement: ROBO1 is on the minus strand). VCF-style: chr3-78627563-G-A. GRCh37 (hg19) VCF-style: chr3-78676713-G-A.
Other names: c.3333C>T, p.Asp1111= (NM_001145845.2); c.3498C>T, p.Asp1166= (NM_133631.4).
Identifiers: ClinVar variation 4987337 (VCV004987337.1).

ClinVar aggregate classification (germline): Likely benign (1 of 4 stars; one submission).

Conditions:
ROBO1-related disorder. Also called: ROBO1-related condition.

gnomAD v4.1: 15 of 1,610,026 alleles (0.00093%); highest among the groups gnomAD compares: South Asian, 0.012%; no homozygotes.

Submission:

PreventionGenetics, part of Exact Sciences
Classification: Likely benign for ROBO1-related condition. Last evaluated: 2025-08-27. Review status: criteria provided, single submitter. Criteria: ACMG Guidelines, 2015. Collection method: clinical testing. Allele origin: germline.
Comment: This variant is classified as likely benign based on ACMG/AMP sequence variant interpretation guidelines (Richards et al. 2015 PMID: 25741868, with internal and published modifications).